The following is an entry in ClinVar:

ClinVar aggregate classification (germline): Uncertain significance. Review status: criteria provided, multiple submitters, no conflicts (2 of 4 stars). 3 submissions from 3 submitters: Uncertain significance (3). Last evaluated 2024-04-03.

Conditions:
Inborn genetic diseases. Identifiers: MedGen C0950123, MeSH D030342.
VWF-related disorder. Also called: VWF-related disorders; VWF-related condition.

Allele frequency attached by ClinVar (database versions not stated): ExAC 0.00001; gnomAD 0.00001; gnomAD exomes 0.00001; TOPMed 0.00001.
gnomAD v4.1: 20 of 1,614,110 alleles (0.0012%); highest among the groups gnomAD compares: Non-Finnish European, 0.0015%; no homozygotes.

Submissions (3):

Women's Health and Genetics/Laboratory Corporation of America, LabCorp
Classification: Uncertain significance. Last evaluated: 2024-04-03. Review status: criteria provided, single submitter. Criteria: LabCorp Variant Classification Summary - May 2015. Collection method: clinical testing. Allele origin: germline.
Comment: Variant summary: VWF c.1280T>C (p.Ile427Thr) results in a non-conservative amino acid change located in the von Willebrand factor, type D domain (IPR001846) of the encoded protein sequence. Three of five in-silico tools predict a damaging effect of the variant on protein function. The variant allele was found at a frequency of 1.2e-05 in 251322 control chromosomes (gnomAD). The available data on variant occurrences in the general population are insufficient to allow any conclusion about variant significance. To our knowledge, no occurrence of c.1280T>C in individuals affected with Von Willebrand Disease and no experimental evidence demonstrating its impact on protein function have been reported. ClinVar contains an entry for this variant (Variation ID: 2216666). Based on the evidence outlined above, the variant was classified as uncertain significance.

PreventionGenetics, part of Exact Sciences
Classification: Uncertain significance for VWF-related condition. Last evaluated: 2023-05-12. Review status: criteria provided, single submitter. Criteria: ACMG Guidelines, 2015. Collection method: clinical testing. Allele origin: germline.
Comment: The VWF c.1280T>C variant is predicted to result in the amino acid substitution p.Ile427Thr. To our knowledge, this variant has not been reported in the literature. This variant is reported in 0.0033% of alleles in individuals of South Asian descent in gnomAD. At this time, the clinical significance of this variant is uncertain due to the absence of conclusive functional and genetic evidence.

Ambry Genetics
Classification: Uncertain significance for Inborn genetic diseases. Last evaluated: 2022-12-15. Review status: criteria provided, single submitter. Criteria: Ambry Variant Classification Scheme 2023. Collection method: clinical testing. Allele origin: germline.

NM_000552.5(VWF):c.1280T>C (p.Ile427Thr)

Gene: VWF (von Willebrand factor; minus strand). Cytogenetic location: 12p13.31.
Variant type: single nucleotide variant.
Coding change: c.1280T>C on transcript NM_000552.5 (MANE Select); coding-DNA position 1280, T replaced by C.
Protein change: p.Ile427Thr; replaces isoleucine 427 with threonine.
Molecular consequence: missense variant.
Genome position (GRCh38, 1-based): chr12:6,065,150, A>G on the plus strand (T>C on the coding strand, the complement: VWF is on the minus strand). VCF-style: chr12-6065150-A-G. GRCh37 (hg19) VCF-style: chr12-6174316-A-G.
Other names: c.1280T>C (NM_000552.4); short protein forms I427T.
Identifiers: ClinVar variation 2216666 (VCV002216666.4), dbSNP rs61754007, ClinGen allele CA6403490.